The following is an entry in ClinVar:

NM_014444.5(TUBGCP4):c.1989T>C (p.Ser663=)

Genes: TP53BP1 (tumor protein p53 binding protein 1; minus strand), TUBGCP4 (tubulin gamma complex component 4; plus strand). Cytogenetic location: 15q15.3.
Variant type: single nucleotide variant.
Coding change: c.1989T>C on transcript NM_014444.5 (MANE Select); coding-DNA position 1989, T replaced by C.
Protein change: p.Ser663=; no amino-acid change (serine 663 retained).
Molecular consequence: synonymous variant. On other transcripts: 3 prime UTR variant (5).
Genome position (GRCh38, 1-based): chr15:43,405,202, T>C. VCF-style: chr15-43405202-T-C. GRCh37 (hg19) VCF-style: chr15-43697400-T-C.
Other names: c.1992T>C, p.Ser664= (NM_001286414.3); c.*2181A>G (NM_001141979.3, NM_001141980.3, NM_001355001.2 and 2 more transcripts).
Identifiers: ClinVar variation 2044433 (VCV002044433.4), dbSNP rs2543121020, ClinGen allele CA490142557.

ClinVar aggregate classification (germline): Uncertain significance (1 of 4 stars; one submission).

Submission:

Labcorp Genetics (formerly Invitae), Labcorp
Classification: Uncertain significance. Last evaluated: 2021-12-16. Review status: criteria provided, single submitter. Criteria: Invitae Variant Classification Sherloc (09022015). Collection method: clinical testing. Allele origin: germline.
Comment: This variant is not present in population databases (gnomAD no frequency). In summary, the available evidence is currently insufficient to determine the role of this variant in disease. Therefore, it has been classified as a Variant of Uncertain Significance. Algorithms developed to predict the effect of sequence changes on RNA splicing suggest that this variant is not likely to affect RNA splicing. This variant has not been reported in the literature in individuals affected with TUBGCP4-related conditions. This sequence change affects codon 664 of the TUBGCP4 mRNA. It is a 'silent' change, meaning that it does not change the encoded amino acid sequence of the TUBGCP4 protein. It affects a nucleotide within the consensus splice site.